The following is an entry in ClinVar:

ClinVar aggregate classification (germline): Likely pathogenic (1 of 4 stars; one submission).

Conditions:
Iodotyrosyl coupling defect (TDH3). Also called: THYROID HORMONOGENESIS, GENETIC DEFECT IN, 3; HYPOTHYROIDISM, CONGENITAL, DUE TO DYSHORMONOGENESIS, 3. Identifiers: Orphanet 95716, MedGen C0342194, MONDO:0010135, OMIM 274700.

Submission:

Genetics and Molecular Pathology, SA Pathology
Classification: Likely pathogenic for Iodotyrosyl coupling defect. Last evaluated: 2023-01-17. Review status: criteria provided, single submitter. Criteria: ACMG Guidelines, 2015. Collection method: clinical testing. Allele origin: germline. Inheritance: Autosomal recessive inheritance. Affected: yes.
Comment: The TG c.7831_7837dup variant is classified as Likely Pathogenic (PVS1, PM2) The TG c.7831_7837dup variant is located in exon 45/48 and is predicted to cause a shift in the reading frame at codon 2613, introducing a premature termination codon 4 amino acids downstream (PVS1). This variant is absent from population databases (PM2). This variant has not been reported in dbSNP, ClinVar or HGMD. This variant has not been described in the literature to date. Other loss of function TG variants have been reported as disease causing in thyroid dyshormonogenesis and hypothyroidism in the HGMD database (PMID: 34248839, PMID: 30022773, PMID: 26777470).

Literature cited by the submitters: PubMed 26777470; PubMed 30022773; PubMed 34248839.

NM_003235.5(TG):c.7831_7837dup (p.Ala2613fs)

Gene: TG (thyroglobulin; plus strand). Cytogenetic location: 8q24.22.
Variant type: Duplication.
Coding change: c.7831_7837dup on transcript NM_003235.5 (MANE Select); coding-DNA positions 7831 to 7837, 7 bases duplicated (TACCATG; older notation c.7831_7837dupTACCATG).
Protein change: p.Ala2613fs; shifts the reading frame from alanine 2613.
Molecular consequence: frameshift variant.
Genome position (GRCh38, 1-based): chr8:133,116,685-133,116,691, TACCATG duplicated; duplicating any 7 consecutive bases within chr8:133,116,681-133,116,691 gives the same sequence; the c. name uses the placement nearest the transcript's 3' end. VCF-style (leftmost placement, unchanged base first): chr8-133116680-T-TCATGTAC. GRCh37 (hg19) VCF-style: chr8-134128924-T-TCATGTAC.
Other names: c.7831_7837dupTACCATG (NM_003235.5); short protein forms A2613fs.
Identifiers: ClinVar variation 2664839 (VCV002664839.1), dbSNP rs2537735975, ClinGen allele CA2573332824.